The following is an entry in ClinVar:

ClinVar aggregate classification (germline): Uncertain significance (1 of 4 stars; one submission).

Allele frequency attached by ClinVar (database versions not stated): gnomAD exomes 0.00001; TOPMed 0.00001; gnomAD 0.00002.

Submission:

Labcorp Genetics (formerly Invitae), Labcorp
Classification: Uncertain significance. Last evaluated: 2021-06-05. Review status: criteria provided, single submitter. Criteria: Invitae Variant Classification Sherloc (09022015). Collection method: clinical testing. Allele origin: germline.
Comment: In summary, the available evidence is currently insufficient to determine the role of this variant in disease. Therefore, it has been classified as a Variant of Uncertain Significance. Algorithms developed to predict the effect of missense changes on protein structure and function are either unavailable or do not agree on the potential impact of this missense change (SIFT: "Tolerated"; PolyPhen-2: "Probably Damaging"; Align-GVGD: "Class C0"). This variant has not been reported in the literature in individuals with HYOU1-related conditions. This variant is not present in population databases (ExAC no frequency). This sequence change replaces arginine with histidine at codon 268 of the HYOU1 protein (p.Arg268His). The arginine residue is highly conserved and there is a small physicochemical difference between arginine and histidine.

NM_006389.5(HYOU1):c.803G>A (p.Arg268His)

Gene: HYOU1 (hypoxia up-regulated 1; minus strand). Cytogenetic location: 11q23.3.
Variant type: single nucleotide variant.
Coding change: c.803G>A on transcript NM_006389.5 (MANE Select); coding-DNA position 803, G replaced by A.
Protein change: p.Arg268His; replaces arginine 268 with histidine.
Molecular consequence: missense variant.
Genome position (GRCh38, 1-based): chr11:119,052,821, C>T on the plus strand (G>A on the coding strand, the complement: HYOU1 is on the minus strand). VCF-style: chr11-119052821-C-T. GRCh37 (hg19) VCF-style: chr11-118923533-C-T.
Other names: c.803G>A, p.Arg268His (NM_001130991.3); short protein forms R268H.
Identifiers: ClinVar variation 1034996 (VCV001034996.8), dbSNP rs1050867600, ClinGen allele CA229623762.
Genomic context (GRCh38, chr11:119,052,821, plus strand): 5'-TTGAAAAGCCCAGCCAGGCGTTCTCGAAGCCGGAGCTCCATCTCCAGGCCCCCCAGGGTA[C>T]GGTCAAATCTGTTGAGAAAAGGGAGCAGGGAAAAAAGTGAAGAACACATGGAGTCCCCGC-3'
Protein context (NP_006380.1, residues 258-278): QLQIRGVGFD[Arg268His]TLGGLEMELR